The following is an entry in ClinVar:

ClinVar aggregate classification (germline): Uncertain significance. Review status: criteria provided, multiple submitters, no conflicts (2 of 4 stars). 2 submissions from 2 submitters: Uncertain significance (2). Last evaluated 2026-09-15.

Conditions:
Joubert syndrome 1 (JBTS1). Also called: Cerebellooculorenal syndrome 1; CEREBELLOPARENCHYMAL DISORDER IV. Identifiers: MedGen C4551568, MONDO:0008944, OMIM 213300.
MORM syndrome (MORMS). Identifiers: Orphanet 75858, MedGen C1857802, MONDO:0012423, OMIM 610156.
INPP5E-related disorder. Also called: INPP5E-related condition.

gnomAD v4.1: 10 of 1,611,214 alleles (0.00062%); highest among the groups gnomAD compares: African/African-American, 0.0093%; no homozygotes.

Submissions (2):

PreventionGenetics, part of Exact Sciences
Classification: Uncertain significance for INPP5E-related condition. Last evaluated: 2026-09-15. Review status: criteria provided, single submitter. Criteria: ACMG Guidelines, 2015. Collection method: clinical testing. Allele origin: germline.
Comment: The INPP5E c.993G>T variant is predicted to result in the amino acid substitution p.Gln331His. To our knowledge, this variant has not been reported in the literature. This variant is reported in 0.026% of alleles in individuals of African descent in gnomAD. At this time, the clinical significance of this variant is uncertain due to the absence of conclusive functional and genetic evidence.

Fulgent Genetics
Classification: Uncertain significance for Joubert syndrome 1; MORM syndrome. Last evaluated: 2024-04-08. Review status: criteria provided, single submitter. Criteria: ACMG Guidelines, 2015. Collection method: clinical testing. Allele origin: germline.

NM_019892.6(INPP5E):c.993G>T (p.Gln331His)

Gene: INPP5E (inositol polyphosphate-5-phosphatase E; minus strand). Cytogenetic location: 9q34.3.
Variant type: single nucleotide variant.
Coding change: c.993G>T on transcript NM_019892.6 (MANE Select); coding-DNA position 993, G replaced by T.
Protein change: p.Gln331His; replaces glutamine 331 with histidine.
Molecular consequence: missense variant.
Genome position (GRCh38, 1-based): chr9:136,434,078, C>A on the plus strand (G>T on the coding strand, the complement: INPP5E is on the minus strand). VCF-style: chr9-136434078-C-A. GRCh37 (hg19) VCF-style: chr9-139328530-C-A.
Other names: c.993G>T, p.Gln331His (NM_001318502.2); c.993G>T (NM_019892.5); short protein forms Q331H.
Identifiers: ClinVar variation 3596780 (VCV003596780.2).